The following is an entry in ClinVar:

NM_001621.5(AHR):c.2126C>T (p.Pro709Leu)

Gene: AHR (aryl hydrocarbon receptor; plus strand). Cytogenetic location: 7p21.1.
Variant type: single nucleotide variant.
Coding change: c.2126C>T on transcript NM_001621.5 (MANE Select); coding-DNA position 2126, C replaced by T.
Protein change: p.Pro709Leu; replaces proline 709 with leucine.
Molecular consequence: missense variant.
Genome position (GRCh38, 1-based): chr7:17,339,951, C>T. VCF-style: chr7-17339951-C-T. GRCh37 (hg19) VCF-style: chr7-17379575-C-T.
Other names: short protein forms P709L.
Identifiers: ClinVar variation 1474834 (VCV001474834.8), dbSNP rs2115370273, ClinGen allele CA366896126.

ClinVar aggregate classification (germline): Uncertain significance (1 of 4 stars; one submission).

Submission:

Labcorp Genetics (formerly Invitae), Labcorp
Classification: Uncertain significance. Last evaluated: 2024-10-23. Review status: criteria provided, single submitter. Criteria: Invitae Variant Classification Sherloc (09022015). Collection method: clinical testing. Allele origin: germline.
Comment: This sequence change replaces proline, which is neutral and non-polar, with leucine, which is neutral and non-polar, at codon 709 of the AHR protein (p.Pro709Leu). This variant is not present in population databases (gnomAD no frequency). This variant has not been reported in the literature in individuals affected with AHR-related conditions. ClinVar contains an entry for this variant (Variation ID: 1474834). An algorithm developed to predict the effect of missense changes on protein structure and function (PolyPhen-2) suggests that this variant is likely to be tolerated. In summary, the available evidence is currently insufficient to determine the role of this variant in disease. Therefore, it has been classified as a Variant of Uncertain Significance.